The following is an entry in ClinVar:

ClinVar aggregate classification (germline): Uncertain significance (1 of 4 stars; one submission).

Conditions:
Inborn genetic diseases. Identifiers: MedGen C0950123, MeSH D030342.

Submission:

Ambry Genetics
Classification: Uncertain significance for Inborn genetic diseases. Last evaluated: 2024-09-06. Review status: criteria provided, single submitter. Criteria: Ambry Variant Classification Scheme 2023. Collection method: clinical testing. Allele origin: germline.
Comment: The p.M480V variant (also known as c.1438A>G), located in coding exon 13 of the LRRK2 gene, results from an A to G substitution at nucleotide position 1438. The methionine at codon 480 is replaced by valine, an amino acid with highly similar properties. This amino acid position is conserved. In addition, this alteration is predicted to be tolerated by in silico analysis. Based on the available evidence, the clinical significance of this variant remains unclear.

NM_198578.4(LRRK2):c.1438A>G (p.Met480Val)

Gene: LRRK2 (leucine rich repeat kinase 2; plus strand). Cytogenetic location: 12q12.
Variant type: single nucleotide variant.
Coding change: c.1438A>G on transcript NM_198578.4 (MANE Select); coding-DNA position 1438, A replaced by G.
Protein change: p.Met480Val; replaces methionine 480 with valine.
Molecular consequence: missense variant.
Genome position (GRCh38, 1-based): chr12:40,259,499, A>G. VCF-style: chr12-40259499-A-G. GRCh37 (hg19) VCF-style: chr12-40653301-A-G.
Other names: short protein forms M480V.
Identifiers: ClinVar variation 3540663 (VCV003540663.1).